The following is an entry in ClinVar:

ClinVar aggregate classification (germline): Uncertain significance (1 of 4 stars; one submission).

Allele frequency attached by ClinVar (database versions not stated): ExAC 0.00001; gnomAD 0.00001; gnomAD exomes 0.00001; TOPMed 0.00007.

Submission:

Labcorp Genetics (formerly Invitae), Labcorp
Classification: Uncertain significance. Last evaluated: 2024-11-05. Review status: criteria provided, single submitter. Criteria: Invitae Variant Classification Sherloc (09022015). Collection method: clinical testing. Allele origin: germline.
Comment: This sequence change replaces alanine, which is neutral and non-polar, with threonine, which is neutral and polar, at codon 665 of the GPR179 protein (p.Ala665Thr). This variant is present in population databases (rs779762920, gnomAD 0.003%). This missense change has been observed in individual(s) with inherited retinal disorders (PMID: 32483926). ClinVar contains an entry for this variant (Variation ID: 1950027). An algorithm developed to predict the effect of missense changes on protein structure and function outputs the following: PolyPhen-2: "Benign". The threonine amino acid residue is found in multiple mammalian species, which suggests that this missense change does not adversely affect protein function. In summary, the available evidence is currently insufficient to determine the role of this variant in disease. Therefore, it has been classified as a Variant of Uncertain Significance.

Literature cited by the submitters: PubMed 32483926.

NM_001004334.4(GPR179):c.1993G>A (p.Ala665Thr)

Gene: GPR179 (G protein-coupled receptor 179; minus strand). Cytogenetic location: 17q12.
Variant type: single nucleotide variant.
Coding change: c.1993G>A on transcript NM_001004334.4 (MANE Select); coding-DNA position 1993, G replaced by A.
Protein change: p.Ala665Thr; replaces alanine 665 with threonine.
Molecular consequence: missense variant.
Genome position (GRCh38, 1-based): chr17:38,333,295, C>T on the plus strand (G>A on the coding strand, the complement: GPR179 is on the minus strand). VCF-style: chr17-38333295-C-T. GRCh37 (hg19) VCF-style: chr17-36489178-C-T.
Other names: short protein forms A665T.
Identifiers: ClinVar variation 1950027 (VCV001950027.3), dbSNP rs779762920, ClinGen allele CA290106832.